The following is an entry in ClinVar:

NM_001130987.2(DYSF):c.4318A>G (p.Ile1440Val)

Gene: DYSF (dysferlin; plus strand). Cytogenetic location: 2p13.2.
Variant type: single nucleotide variant.
Coding change: c.4318A>G on transcript NM_001130987.2 (MANE Select); coding-DNA position 4318, A replaced by G.
Protein change: p.Ile1440Val; replaces isoleucine 1440 with valine.
Molecular consequence: missense variant.
Genome position (GRCh38, 1-based): chr2:71,612,737, A>G. VCF-style: chr2-71612737-A-G. GRCh37 (hg19) VCF-style: chr2-71839867-A-G.
Other names: c.4267A>G, p.Ile1423Val (NM_001130455.2, NM_001130983.2); c.4222A>G, p.Ile1408Val (NM_001130976.2, NM_001130977.2); c.4264A>G, p.Ile1422Val (NM_001130978.2, NM_003494.4); c.4357A>G, p.Ile1453Val (NM_001130979.2); c.4315A>G, p.Ile1439Val (NM_001130980.2, NM_001130981.2); c.4360A>G, p.Ile1454Val (NM_001130982.2); c.4225A>G, p.Ile1409Val (NM_001130984.2, NM_001130986.2); c.4318A>G, p.Ile1440Val (NM_001130985.2); short protein forms I1423V, I1422V, I1440V, I1408V, I1409V, I1439V, I1453V, I1454V.
Identifiers: ClinVar variation 4737677 (VCV004737677.1).

ClinVar aggregate classification (germline): Uncertain significance (1 of 4 stars; one submission).

Conditions:
Neuromuscular disease caused by qualitative or quantitative defects of dysferlin. Also called: Qualitative or quantitative defects of dysferlin; Dysferlinopathy. Identifiers: Orphanet 207073, MedGen C2931687, MONDO:0016145.

gnomAD v4.1: 1 of 1,614,100 alleles (0.000062%); highest among the groups gnomAD compares: South Asian, 0.0011%; no homozygotes.

Submission:

Labcorp Genetics (formerly Invitae), Labcorp
Classification: Uncertain significance for Neuromuscular disease caused by qualitative or quantitative defects of dysferlin. Last evaluated: 2025-03-22. Review status: criteria provided, single submitter. Criteria: Invitae Variant Classification Sherloc (09022015). Collection method: clinical testing. Allele origin: germline.
Comment: This sequence change replaces isoleucine, which is neutral and non-polar, with valine, which is neutral and non-polar, at codon 1422 of the DYSF protein (p.Ile1422Val). This variant is not present in population databases (gnomAD no frequency). This variant has not been reported in the literature in individuals affected with DYSF-related conditions. Invitae Evidence Modeling of protein sequence and biophysical properties (such as structural, functional, and spatial information, amino acid conservation, physicochemical variation, residue mobility, and thermodynamic stability) indicates that this missense variant is not expected to disrupt DYSF protein function with a negative predictive value of 95%. In summary, the available evidence is currently insufficient to determine the role of this variant in disease. Therefore, it has been classified as a Variant of Uncertain Significance.